The following is an entry in ClinVar:

NM_000051.4(ATM):c.3219A>G (p.Val1073=)

Gene: ATM (ATM serine/threonine kinase; plus strand). Cytogenetic location: 11q22.3.
Variant type: single nucleotide variant.
Coding change: c.3219A>G on transcript NM_000051.4 (MANE Select); coding-DNA position 3219, A replaced by G.
Protein change: p.Val1073=; no amino-acid change (valine 1073 retained).
Molecular consequence: synonymous variant.
Genome position (GRCh38, 1-based): chr11:108,272,787, A>G. VCF-style: chr11-108272787-A-G. GRCh37 (hg19) VCF-style: chr11-108143514-A-G.
Other names: NM_000051.4(ATM):c.3219A>G; p.Val1073=; c.3219A>G, p.Val1073= (NM_001351834.2).
Identifiers: ClinVar variation 184040 (VCV000184040.67), dbSNP rs752849892, ClinGen allele CA187579.
Genomic context (GRCh38, chr11:108,272,787, plus strand): 5'-TCCTTATTCAAAATGGGCCATTCTTAATGTAATGGGAAAAGACTTTCCTGTAAATGAAGT[A>G]TTTACACAATTTCTTGCTGACAATCATCACCAAGTTCGCATGTTGGCTGCAGAGTCAATC-3'
Protein context (NP_000042.3, residues 1063-1083): VMGKDFPVNE[Val1073=]FTQFLADNHH

ClinVar aggregate classification (germline): Likely benign. Review status: reviewed by expert panel (3 of 4 stars). 15 submissions from 15 submitters: Likely benign (1). 14 of the submissions do not count toward it. Last evaluated 2026-06-19.

Conditions:
ATM-related cancer predisposition. Also called: ATM-related cancer susceptibility. Identifiers: MedGen CN377759, MONDO:0700270.
ATM-related disorder. Also called: ATM-related disorders; ATM-related condition.
Hereditary cancer-predisposing syndrome. Also called: Tumor predisposition; Neoplastic Syndromes, Hereditary; Hereditary Cancer Syndrome; Hereditary neoplastic syndrome. Identifiers: Orphanet 140162, MedGen C0027672, MeSH D009386, MONDO:0015356.
Familial cancer of breast. Also called: hereditary breast carcinoma; BREAST CANCER, FAMILIAL; Hereditary breast cancer. Identifiers: Orphanet 227535, MedGen C0346153, MONDO:0016419, OMIM 114480. Disease mechanism: loss of function.
Ataxia-telangiectasia syndrome (AT). Also called: LOUIS-BAR SYNDROME; Ataxia-telangiectasia, complementation group D; Ataxia telangiectasia (A-T); AT, COMPLEMENTATION GROUP C; ATAXIA-TELANGIECTASIA, COMPLEMENTATION GROUP A; ATAXIA-TELANGIECTASIA, FRESNO VARIANT. Identifiers: Orphanet 100, MedGen C0004135, MONDO:0008840, OMIM 208900.

Allele frequency attached by ClinVar (database versions not stated): gnomAD 0.00001 and 0.00002; gnomAD exomes 0.00001; TOPMed 0.00003; ExAC 0.00001.
gnomAD v4.1: 23 of 1,613,980 alleles (0.0014%); highest among the groups gnomAD compares: Non-Finnish European, 0.0016%; no homozygotes.

Submissions (15):

ClinGen Hereditary Breast, Ovarian and Pancreatic Cancer Variant Curation Expert Panel, ClinGen
Classification: Likely benign for ATM-related cancer predisposition. Last evaluated: 2026-06-19. Review status: reviewed by expert panel. Criteria: ClinGen HBOP ACMG Specifications ATM V1.5.0. Collection method: curation. Allele origin: germline. Inheritance: Autosomal dominant inheritance.
Comment: The c.3219A>G (p.Val1073=) variant is a synonymous (silent) variant that is not predicted by SpliceAI to impact splicing. In addition, it occurs at a nucleotide that is not conserved. The highest population minor allele frequency in gnomAD v4.1.1 is 0.00001610 in European (non-Finnish) population (PM2_Supporting, BS1, and BA1 are not met). In summary, this variant meets the criteria to be classified as likely benign for autosomal dominant ATM-related cancer predisposition and autosomal recessive Ataxia-Telangiectasia based on the ACMG/AMP criteria applied, as specified by the HBOP VCEP. (BP4, BP7)

Labcorp Genetics (formerly Invitae), Labcorp
Classification: Likely benign for Ataxia-telangiectasia syndrome. Last evaluated: 2025-11-27. Review status: criteria provided, single submitter. Criteria: Invitae Variant Classification Sherloc (09022015). Collection method: clinical testing. Allele origin: germline. Not counted in ClinVar's aggregate classification.

Center for Genomic Medicine, Rigshospitalet, Copenhagen University Hospital
Classification: Likely benign. Last evaluated: 2025-03-04. Review status: criteria provided, single submitter. Criteria: ACMG Guidelines, 2015. Collection method: clinical testing. Allele origin: germline. Not counted in ClinVar's aggregate classification.

KCCC/NGS Laboratory, Kuwait Cancer Control Center
Classification: Benign for Familial cancer of breast. Last evaluated: 2025-02-01. Review status: criteria provided, single submitter. Criteria: ACMG Guidelines, 2015. Collection method: clinical testing. Allele origin: germline. Affected: no. Not counted in ClinVar's aggregate classification.

Blueprint Genetics
Classification: Likely benign. Last evaluated: 2024-06-13. Review status: criteria provided, single submitter. Criteria: ACMG Guidelines, 2015. Collection method: clinical testing. Allele origin: germline. Not counted in ClinVar's aggregate classification.

Myriad Genetics, Inc.
Classification: Benign for Familial cancer of breast. Last evaluated: 2024-05-14. Review status: criteria provided, single submitter. Criteria: Myriad Autosomal Dominant, Autosomal Recessive and X-Linked Classification Criteria (2023). Collection method: clinical testing. Allele origin: unknown. Not counted in ClinVar's aggregate classification.
Comment: This variant is considered benign. This variant is a silent/synonymous amino acid change and it is not expected to impact splicing.

Athena Diagnostics
Classification: Likely benign. Last evaluated: 2024-03-28. Review status: criteria provided, single submitter. Criteria: Athena Diagnostics Criteria. Collection method: clinical testing. Allele origin: unknown. Not counted in ClinVar's aggregate classification.

Women's Health and Genetics/Laboratory Corporation of America, LabCorp
Classification: Likely benign. Last evaluated: 2023-04-14. Review status: criteria provided, single submitter. Criteria: LabCorp Variant Classification Summary - May 2015. Collection method: clinical testing. Allele origin: germline. Not counted in ClinVar's aggregate classification.

Sema4
Classification: Likely benign for Hereditary cancer-predisposing syndrome. Last evaluated: 2021-05-05. Review status: criteria provided, single submitter. Criteria: Sema4 Curation Guidelines. Collection method: curation. Allele origin: germline. Not counted in ClinVar's aggregate classification.

CeGaT Center for Human Genetics Tuebingen
Classification: Likely benign. Last evaluated: 2020-12-01. Review status: criteria provided, single submitter. Criteria: CeGaT Center For Human Genetics Tuebingen Variant Classification Criteria Version 2. Collection method: clinical testing. Allele origin: germline. Affected: yes. Observed: 1 variant allele. Not counted in ClinVar's aggregate classification.

Color Diagnostics, LLC DBA Color Health
Classification: Likely benign for Hereditary cancer-predisposing syndrome. Last evaluated: 2016-09-14. Review status: criteria provided, single submitter. Criteria: ACMG Guidelines, 2015. Collection method: clinical testing. Allele origin: germline. Not counted in ClinVar's aggregate classification.

GeneDx
Classification: Benign. Last evaluated: 2015-03-03. Review status: criteria provided, single submitter. Criteria: GeneDx Variant Classification Process June 2021. Collection method: clinical testing. Allele origin: germline. Affected: yes. Not counted in ClinVar's aggregate classification.

Ambry Genetics
Classification: Likely benign for Hereditary cancer-predisposing syndrome. Last evaluated: 2015-01-06. Review status: criteria provided, single submitter. Criteria: Ambry Variant Classification Scheme 2023. Collection method: clinical testing. Allele origin: germline. Not counted in ClinVar's aggregate classification.

Institute for Biomarker Research, Medical Diagnostic Laboratories, L.L.C.
Classification: Likely benign for Hereditary cancer-predisposing syndrome. Last evaluated: 2022-03-22. Review status: no assertion criteria provided. Collection method: clinical testing. Allele origin: germline. Not counted in ClinVar's aggregate classification.

PreventionGenetics, part of Exact Sciences
Classification: Likely benign for ATM-related condition. Last evaluated: 2019-06-11. Review status: no assertion criteria provided. Collection method: clinical testing. Allele origin: germline. Not counted in ClinVar's aggregate classification.
Comment: This variant is classified as likely benign based on ACMG/AMP sequence variant interpretation guidelines (Richards et al. 2015 PMID: 25741868, with internal and published modifications).

Literature cited by the submitters: PubMed 28779002 (cited by Athena Diagnostics and Sema4); PubMed 28569743 (cited by Athena Diagnostics).